The following is an entry in ClinVar:

NM_004415.4(DSP):c.1379C>T (p.Pro460Leu)

Gene: DSP (desmoplakin; plus strand). Cytogenetic location: 6p24.3.
Variant type: single nucleotide variant.
Coding change: c.1379C>T on transcript NM_004415.4 (MANE Select); coding-DNA position 1379, C replaced by T.
Protein change: p.Pro460Leu; replaces proline 460 with leucine.
Molecular consequence: missense variant.
Genome position (GRCh38, 1-based): chr6:7,568,549, C>T. VCF-style: chr6-7568549-C-T. GRCh37 (hg19) VCF-style: chr6-7568782-C-T.
Other names: c.1379C>T, p.Pro460Leu (NM_001008844.3, NM_001319034.2); short protein forms P460L.
Identifiers: ClinVar variation 924482 (VCV000924482.6), dbSNP rs757300149, ClinGen allele CA027800.

ClinVar aggregate classification (germline): Uncertain significance. Review status: criteria provided, multiple submitters, no conflicts (2 of 4 stars). 2 submissions from 2 submitters: Uncertain significance (2). Last evaluated 2023-12-04.

Conditions:
Arrhythmogenic right ventricular dysplasia 8 (ARVD8). Also called: Arrhythmogenic Right Ventricular Dysplasia/Cardiomyopathy 8; ARRHYTHMOGENIC RIGHT VENTRICULAR DYSPLASIA, FAMILIAL, 8; ARRHYTHMOGENIC RIGHT VENTRICULAR CARDIOMYOPATHY 8. Identifiers: MedGen C1843896, MONDO:0011831, OMIM 607450.
Cardiomyopathy (CMYO). Also called: Cardiomyopathies. Identifiers: Orphanet 167848, MedGen C0878544, MONDO:0004994, HP:0001638. Inheritance: Various modes of inheritance.

Allele frequency attached by ClinVar (database versions not stated): gnomAD exomes below 0.00001 and 0.00001; ExAC 0.00001.
gnomAD v4.1: 3 of 1,613,960 alleles (0.00019%); highest among the groups gnomAD compares: South Asian, 0.0022%; no homozygotes.

Submissions (2):

Color Diagnostics, LLC DBA Color Health
Classification: Uncertain significance for Cardiomyopathy. Last evaluated: 2023-12-04. Review status: criteria provided, single submitter. Criteria: ACMG Guidelines, 2015. Collection method: clinical testing. Allele origin: germline.
Comment: Variant of Uncertain Significance due to insufficient evidence: This missense variant is located in the spectrin repeat 5 of the plakin domain of the DSP protein. Computational prediction tools and conservation analyses are inconclusive regarding the impact of this variant on the protein function. Computational splicing tools suggest that this variant may not impact RNA splicing. To our knowledge, functional assays have not been performed for this variant nor has this variant been reported in individuals affected with cardiovascular disorders in the literature. This variant has been identified in 1/246008 chromosomes in the general population by the Genome Aggregation Database (gnomAD). Available evidence is insufficient to determine the role of this variant in disease conclusively.

Institute of Human Genetics, University of Leipzig Medical Center
Classification: Uncertain significance for Arrhythmogenic right ventricular dysplasia 8. Last evaluated: 2019-08-20. Review status: criteria provided, single submitter. Criteria: ACMG Guidelines, 2015. Collection method: clinical testing. Allele origin: germline. Affected: yes. Observed: 1 variant allele.